The following is an entry in ClinVar:

ClinVar aggregate classification (germline): Likely benign. Review status: criteria provided, single submitter (1 of 4 stars). 2 submissions from 2 submitters: Likely benign (1). 1 of the submissions does not count toward it. Last evaluated 2023-12-25.

Conditions:
KIF23-related disorder. Also called: KIF23-related condition.

gnomAD v4.1: 165 of 1,590,936 alleles (0.01%); highest among the groups gnomAD compares: Admixed American, 0.014%; no homozygotes.

Submissions (2):

Labcorp Genetics (formerly Invitae), Labcorp
Classification: Likely benign. Last evaluated: 2023-12-25. Review status: criteria provided, single submitter. Criteria: Invitae Variant Classification Sherloc (09022015). Collection method: clinical testing. Allele origin: germline.

PreventionGenetics, part of Exact Sciences
Classification: Likely benign for KIF23-related condition. Last evaluated: 2019-08-14. Review status: no assertion criteria provided. Collection method: clinical testing. Allele origin: germline. Not counted in ClinVar's aggregate classification.
Comment: This variant is classified as likely benign based on ACMG/AMP sequence variant interpretation guidelines (Richards et al. 2015 PMID: 25741868, with internal and published modifications).

NM_001367805.3(KIF23):c.798T>A (p.Leu266=)

Gene: KIF23 (kinesin family member 23; plus strand). Cytogenetic location: 15q23.
Variant type: single nucleotide variant.
Coding change: c.798T>A on transcript NM_001367805.3 (MANE Select); coding-DNA position 798, T replaced by A.
Protein change: p.Leu266=; no amino-acid change (leucine 266 retained).
Molecular consequence: synonymous variant. On other transcripts: non-coding transcript variant (2).
Genome position (GRCh38, 1-based): chr15:69,426,091, T>A. VCF-style: chr15-69426091-T-A. GRCh37 (hg19) VCF-style: chr15-69718430-T-A.
Other names: c.426T>A, p.Leu142= (NM_001281301.2); c.756T>A, p.Leu252= (NM_001367804.2, NM_004856.7, NM_138555.4); c.756T>A (NM_138555.3).
Identifiers: ClinVar variation 2746272 (VCV002746272.5), dbSNP rs375763515, ClinGen allele CA7635000.
Genomic context (GRCh38, chr15:69,426,091, plus strand): 5'-CATAATTTAGGAGACTAATCTTTTTTTTCTTTCCCATAGACCTCCACAATCTAAATTGCT[T>A]CGTGAAGATAAGAACCATAACATGTATGTTGCAGGATGTACAGAAGTTGAAGTGAAATCT-3'
Protein context (NP_001354734.1, residues 256-276): TDFVPPQSKL[Leu266=]REDKNHNMYV